The following is an entry in ClinVar:

ClinVar aggregate classification (germline): Uncertain significance (1 of 4 stars; one submission).

Submission:

GeneDx
Classification: Uncertain significance. Last evaluated: 2024-10-28. Review status: criteria provided, single submitter. Criteria: GeneDx Variant Classification Process June 2021. Collection method: clinical testing. Allele origin: germline. Affected: yes.
Comment: Not observed at significant frequency in large population cohorts (gnomAD); In silico analysis indicates that this missense variant does not alter protein structure/function; Has not been previously published as pathogenic or benign to our knowledge

NM_001292034.3(TAB2):c.29T>C (p.Phe10Ser)

Gene: TAB2 (TGF-beta activated kinase 1 (MAP3K7) binding protein 2; plus strand). Cytogenetic location: 6q25.1.
Variant type: single nucleotide variant.
Coding change: c.29T>C on transcript NM_001292034.3 (MANE Select); coding-DNA position 29, T replaced by C.
Protein change: p.Phe10Ser; replaces phenylalanine 10 with serine.
Molecular consequence: missense variant. On other transcripts: intron variant (1).
Genome position (GRCh38, 1-based): chr6:149,370,026, T>C. VCF-style: chr6-149370026-T-C. GRCh37 (hg19) VCF-style: chr6-149691162-T-C.
Other names: c.29T>C, p.Phe10Ser (NM_001369506.1, NM_015093.6); c.7-7992T>C (NM_001292035.3); short protein forms F10S.
Identifiers: ClinVar variation 3893361 (VCV003893361.1).